The following is an entry in ClinVar:

NM_000719.7(CACNA1C):c.6154G>C (p.Asp2052His)

Genes: CACNA1C (calcium voltage-gated channel subunit alpha1 C; plus strand), CACNA1C-AS1 (CACNA1C antisense RNA 1; minus strand). Cytogenetic location: 12p13.33.
Variant type: single nucleotide variant.
Coding change: c.6154G>C on transcript NM_000719.7 (MANE Select); coding-DNA position 6154, G replaced by C.
Protein change: p.Asp2052His; replaces aspartic acid 2052 with histidine.
Molecular consequence: missense variant. On other transcripts: non-coding transcript variant (1).
Genome position (GRCh38, 1-based): chr12:2,690,936, G>C. VCF-style: chr12-2690936-G-C. GRCh37 (hg19) VCF-style: chr12-2800102-G-C.
Other names: c.6172G>C, p.Asp2058His (NM_001129839.2); c.6154G>C, p.Asp2052His (NM_001129840.2, NM_001129841.2, NM_001129842.2 and 2 more transcripts); c.6145G>C, p.Asp2049His (NM_001129844.2); c.6121G>C, p.Asp2041His (NM_001129846.2); c.6211G>C, p.Asp2071His (NM_001129833.2, NM_001129834.2, NM_001129835.2); c.6205G>C, p.Asp2069His (NM_001129836.2); c.6178G>C, p.Asp2060His (NM_001129837.2, NM_001129838.2); c.6298G>C, p.Asp2100His (NM_001129827.2); and 6 more; short protein forms D2052H, D2071H, D2080H, D2087H, D2112H, D2060H, D2093H, D2100H.
Identifiers: ClinVar variation 2814366 (VCV002814366.3), dbSNP rs957119379, ClinGen allele CA383386173.

ClinVar aggregate classification (germline): Uncertain significance (1 of 4 stars; one submission).

Conditions:
Long QT syndrome (LQTS). Identifiers: MedGen C0023976, MeSH D008133, MONDO:0002442. Disease mechanism: loss of function. Inheritance: Various modes of inheritance.

Submission:

Labcorp Genetics (formerly Invitae), Labcorp
Classification: Uncertain significance for Long QT syndrome. Last evaluated: 2022-12-28. Review status: criteria provided, single submitter. Criteria: Invitae Variant Classification Sherloc (09022015). Collection method: clinical testing. Allele origin: germline.
Comment: In summary, the available evidence is currently insufficient to determine the role of this variant in disease. Therefore, it has been classified as a Variant of Uncertain Significance. Advanced modeling of protein sequence and biophysical properties (such as structural, functional, and spatial information, amino acid conservation, physicochemical variation, residue mobility, and thermodynamic stability) performed at Invitae indicates that this missense variant is not expected to disrupt CACNA1C protein function. This variant has not been reported in the literature in individuals affected with CACNA1C-related conditions. This variant is not present in population databases (gnomAD no frequency). This sequence change replaces aspartic acid, which is acidic and polar, with histidine, which is basic and polar, at codon 2052 of the CACNA1C protein (p.Asp2052His).